The following is an entry in ClinVar:

ClinVar aggregate classification (germline): Conflicting classifications of pathogenicity. Review status: criteria provided, conflicting classifications (1 of 4 stars). 2 submissions from 2 submitters: Uncertain significance (1); Likely benign (1). Last evaluated 2026-09-09.

Conditions:
ATP2B2-related disorder. Also called: ATP2B2-related condition.

Allele frequency attached by ClinVar (database versions not stated): gnomAD exomes 0.00003; ExAC 0.00009; TOPMed 0.00016; gnomAD 0.00021; ESP Exome Variant Server 0.00023.
gnomAD v4.1: 76 of 1,613,778 alleles (0.0047%); highest among the groups gnomAD compares: African/African-American, 0.092%; no homozygotes.

Submissions (2):

PreventionGenetics, part of Exact Sciences
Classification: Likely benign for ATP2B2-related condition. Last evaluated: 2026-09-09. Review status: criteria provided, single submitter. Criteria: ACMG Guidelines, 2015. Collection method: clinical testing. Allele origin: germline.
Comment: This variant is classified as likely benign based on ACMG/AMP sequence variant interpretation guidelines (Richards et al. 2015 PMID: 25741868, with internal and published modifications).

Labcorp Genetics (formerly Invitae), Labcorp
Classification: Uncertain significance. Last evaluated: 2024-06-08. Review status: criteria provided, single submitter. Criteria: Invitae Variant Classification Sherloc (09022015). Collection method: clinical testing. Allele origin: germline.
Comment: This sequence change replaces alanine, which is neutral and non-polar, with threonine, which is neutral and polar, at codon 141 of the ATP2B2 protein (p.Ala141Thr). This variant is present in population databases (rs151303929, gnomAD 0.06%), and has an allele count higher than expected for a pathogenic variant. This variant has not been reported in the literature in individuals affected with ATP2B2-related conditions. Advanced modeling of protein sequence and biophysical properties (such as structural, functional, and spatial information, amino acid conservation, physicochemical variation, residue mobility, and thermodynamic stability) performed at Invitae indicates that this missense variant is not expected to disrupt ATP2B2 protein function with a negative predictive value of 80%. In summary, the available evidence is currently insufficient to determine the role of this variant in disease. Therefore, it has been classified as a Variant of Uncertain Significance.

NM_001001331.4(ATP2B2):c.421G>A (p.Ala141Thr)

Gene: ATP2B2 (ATPase plasma membrane Ca2+ transporting 2; minus strand). Cytogenetic location: 3p25.3.
Variant type: single nucleotide variant.
Coding change: c.421G>A on transcript NM_001001331.4 (MANE Select); coding-DNA position 421, G replaced by A.
Protein change: p.Ala141Thr; replaces alanine 141 with threonine.
Molecular consequence: missense variant.
Genome position (GRCh38, 1-based): chr3:10,402,325, C>T on the plus strand (G>A on the coding strand, the complement: ATP2B2 is on the minus strand). VCF-style: chr3-10402325-C-T. GRCh37 (hg19) VCF-style: chr3-10444009-C-T.
Other names: c.421G>A (NM_001683.3); c.421G>A, p.Ala141Thr (NM_001330611.3, NM_001353564.1, NM_001363862.1 and 1 more transcripts); short protein forms A141T.
Identifiers: ClinVar variation 3013119 (VCV003013119.4), dbSNP rs151303929, ClinGen allele CA2254004.